The following is an entry in ClinVar:

ClinVar aggregate classification (germline): Uncertain significance (1 of 4 stars; one submission).

Conditions:
Hereditary cancer-predisposing syndrome. Also called: Neoplastic Syndromes, Hereditary; Tumor predisposition; Hereditary Cancer Syndrome; Hereditary neoplastic syndrome. Identifiers: Orphanet 140162, MedGen C0027672, MeSH D009386, MONDO:0015356.

Submission:

Ambry Genetics
Classification: Uncertain significance for Hereditary cancer-predisposing syndrome. Last evaluated: 2026-02-18. Review status: criteria provided, single submitter. Criteria: Ambry Variant Classification Scheme 2023. Collection method: clinical testing. Allele origin: germline.
Comment: The p.P20T variant (also known as c.58C>A), located in coding exon 1 of the SMARCA4 gene, results from a C to A substitution at nucleotide position 58. The proline at codon 20 is replaced by threonine, an amino acid with highly similar properties. This amino acid position is conserved. In addition, the in silico prediction for this alteration is inconclusive. Based on the available evidence, the clinical significance of this variant remains unclear.

NM_003072.5(SMARCA4):c.58C>A (p.Pro20Thr)

Gene: SMARCA4 (SWI/SNF related BAF chromatin remodeling complex subunit ATPase 4; plus strand). Cytogenetic location: 19p13.2.
Variant type: single nucleotide variant.
Coding change: c.58C>A on transcript NM_003072.5 (MANE Select); coding-DNA position 58, C replaced by A.
Protein change: p.Pro20Thr; replaces proline 20 with threonine.
Molecular consequence: missense variant. On other transcripts: non-coding transcript variant (1).
Genome position (GRCh38, 1-based): chr19:10,984,209, C>A. VCF-style: chr19-10984209-C-A. GRCh37 (hg19) VCF-style: chr19-11094885-C-A.
Other names: c.58C>A, p.Pro20Thr (NM_001128844.3, NM_001128845.2, NM_001128846.2 and 6 more transcripts); short protein forms P20T.
Identifiers: ClinVar variation 4825125 (VCV004825125.1).